The following is an entry in ClinVar:

ClinVar aggregate classification (germline): Benign/Likely benign. Review status: criteria provided, multiple submitters, no conflicts (2 of 4 stars). 3 submissions from 3 submitters: Benign (1); Likely benign (1). 1 of the submissions does not count toward it. Last evaluated 2025-07-21.

Conditions:
PRPF4-related disorder. Also called: PRPF4-related condition.

Allele frequency attached by ClinVar (database versions not stated): TOPMed 0.00001; gnomAD 0.00005; gnomAD exomes 0.00008 and 0.00017; ExAC 0.00016; 1000 Genomes Project 30x 0.00031; 1000 Genomes Project 0.00040.
gnomAD v4.1: 135 of 1,614,070 alleles (0.0084%); highest among the groups gnomAD compares: South Asian, 0.14%; 1 homozygote.

Submissions (3):

Labcorp Genetics (formerly Invitae), Labcorp
Classification: Benign. Last evaluated: 2025-07-21. Review status: criteria provided, single submitter. Criteria: Invitae Variant Classification Sherloc (09022015). Collection method: clinical testing. Allele origin: germline.

Blueprint Genetics
Classification: Likely benign. Last evaluated: 2024-10-28. Review status: criteria provided, single submitter. Criteria: ACMG Guidelines, 2015. Collection method: clinical testing. Allele origin: germline.

PreventionGenetics, part of Exact Sciences
Classification: Likely benign for PRPF4-related condition. Last evaluated: 2019-06-07. Review status: no assertion criteria provided. Collection method: clinical testing. Allele origin: germline. Not counted in ClinVar's aggregate classification.
Comment: This variant is classified as likely benign based on ACMG/AMP sequence variant interpretation guidelines (Richards et al. 2015 PMID: 25741868, with internal and published modifications).

NM_001244926.2(PRPF4):c.87C>T (p.Ile29=)

Gene: PRPF4 (pre-mRNA splicing tri-snRNP complex factor PRPF4; plus strand). Cytogenetic location: 9q32.
Variant type: single nucleotide variant.
Coding change: c.87C>T on transcript NM_001244926.2 (MANE Select); coding-DNA position 87, C replaced by T.
Protein change: p.Ile29=; no amino-acid change (isoleucine 29 retained).
Molecular consequence: synonymous variant. On other transcripts: 5 prime UTR variant (2), non-coding transcript variant (2).
Genome position (GRCh38, 1-based): chr9:113,276,607, C>T. VCF-style: chr9-113276607-C-T. GRCh37 (hg19) VCF-style: chr9-116038887-C-T.
Other names: c.90C>T (NM_004697.4); c.-679C>T (NM_001322266.2, NM_001322267.2); c.90C>T, p.Ile30= (NM_004697.5).
Identifiers: ClinVar variation 1639831 (VCV001639831.11), dbSNP rs199997099, ClinGen allele CA5194776.
Genomic context (GRCh38, chr9:113,276,607, plus strand): 5'-GGCAACCAAAACTAAAGCACCCGACGACTTAGTTGCTCCGGTCGTGAAGAAACCACACAT[C>T]TATTATGGAAGTTTGGAAGAGAAGGAGAGGGAGCGTCTGGCCAAAGGAGAGTCTGGGATT-3'
Protein context (NP_001231855.1, residues 19-39): LVAPVVKKPH[Ile29=]YYGSLEEKER